The following is an entry in ClinVar:

NM_016507.4(CDK12):c.137A>T (p.Lys46Met)

Genes: CDK12 (cyclin dependent kinase 12; plus strand), LOC126862553 (CDK7 strongly-dependent group 2 enhancer GRCh37_chr17:37618166-37619365; plus strand). Cytogenetic location: 17q12.
Variant type: single nucleotide variant.
Coding change: c.137A>T on transcript NM_016507.4 (MANE Select); coding-DNA position 137, A replaced by T.
Protein change: p.Lys46Met; replaces lysine 46 with methionine.
Molecular consequence: missense variant.
Genome position (GRCh38, 1-based): chr17:39,462,208, A>T. VCF-style: chr17-39462208-A-T. GRCh37 (hg19) VCF-style: chr17-37618461-A-T.
Other names: c.137A>T, p.Lys46Met (NM_015083.4); short protein forms K46M.
Identifiers: ClinVar variation 3999548 (VCV003999548.1).

ClinVar aggregate classification (germline): Uncertain significance (1 of 4 stars; one submission).

Submission:

Ambry Genetics
Classification: Uncertain significance. Last evaluated: 2025-06-10. Review status: criteria provided, single submitter. Criteria: Ambry Variant Classification Scheme 2023. Collection method: clinical testing. Allele origin: germline.
Comment: The p.K46M variant (also known as c.137A>T), located in coding exon 1 of the CDK12 gene, results from an A to T substitution at nucleotide position 137. The lysine at codon 46 is replaced by methionine, an amino acid with similar properties. This amino acid position is conserved. In addition, the in silico prediction for this alteration is inconclusive. Based on the available evidence, the clinical significance of this variant remains unclear.